The following is an entry in ClinVar:

ClinVar aggregate classification (germline): Uncertain significance (1 of 4 stars; one submission).

Conditions:
Congenital insensitivity to pain-hypohidrosis syndrome. Also called: Neuropathy, hereditary sensory and autonomic, type VIII; HSAN VIII. Identifiers: Orphanet 478664, MedGen C4225308, MONDO:0014662, OMIM 616488.

Allele frequency attached by ClinVar (database versions not stated): TOPMed below 0.00001.
gnomAD v4.1: 1 of 1,270,136 alleles (0.000079%); highest among the groups gnomAD compares: Non-Finnish European, 0.000099%; no homozygotes.

Submission:

Labcorp Genetics (formerly Invitae), Labcorp
Classification: Uncertain significance for Congenital insensitivity to pain-hypohidrosis syndrome. Last evaluated: 2022-09-07. Review status: criteria provided, single submitter. Criteria: Invitae Variant Classification Sherloc (09022015). Collection method: clinical testing. Allele origin: germline.
Comment: This sequence change replaces serine, which is neutral and polar, with glycine, which is neutral and non-polar, at codon 327 of the PRDM12 protein (p.Ser327Gly). This variant is not present in population databases (gnomAD no frequency). This variant has not been reported in the literature in individuals affected with PRDM12-related conditions. ClinVar contains an entry for this variant (Variation ID: 660300). Algorithms developed to predict the effect of missense changes on protein structure and function (SIFT, PolyPhen-2, Align-GVGD) all suggest that this variant is likely to be tolerated. In summary, the available evidence is currently insufficient to determine the role of this variant in disease. Therefore, it has been classified as a Variant of Uncertain Significance.

NM_021619.3(PRDM12):c.979A>G (p.Ser327Gly)

Gene: PRDM12 (PR/SET domain 12; plus strand). Cytogenetic location: 9q34.12.
Variant type: single nucleotide variant.
Coding change: c.979A>G on transcript NM_021619.3 (MANE Select); coding-DNA position 979, A replaced by G.
Protein change: p.Ser327Gly; replaces serine 327 with glycine.
Molecular consequence: missense variant.
Genome position (GRCh38, 1-based): chr9:130,681,544, A>G. VCF-style: chr9-130681544-A-G. GRCh37 (hg19) VCF-style: chr9-133556931-A-G.
Other names: short protein forms S327G.
Identifiers: ClinVar variation 660300 (VCV000660300.6), dbSNP rs1588190015, ClinGen allele CA375245106.